The following is an entry in ClinVar:

NM_016507.4(CDK12):c.234T>A (p.Ser78=)

Genes: CDK12 (cyclin dependent kinase 12; plus strand), LOC126862553 (CDK7 strongly-dependent group 2 enhancer GRCh37_chr17:37618166-37619365; plus strand). Cytogenetic location: 17q12.
Variant type: single nucleotide variant.
Coding change: c.234T>A on transcript NM_016507.4 (MANE Select); coding-DNA position 234, T replaced by A.
Protein change: p.Ser78=; no amino-acid change (serine 78 retained).
Molecular consequence: synonymous variant.
Genome position (GRCh38, 1-based): chr17:39,462,305, T>A. VCF-style: chr17-39462305-T-A. GRCh37 (hg19) VCF-style: chr17-37618558-T-A.
Other names: c.234T>A, p.Ser78= (NM_015083.4); c.234T>A (NM_016507.2).
Identifiers: ClinVar variation 3038610 (VCV003038610.3), dbSNP rs150124402, ClinGen allele CA8530944.
Genomic context (GRCh38, chr17:39,462,305, plus strand): 5'-CGAAGCAGCATCCCTGGGCACAGTTATCAAACCTTTGGTGGAGTATGATGATATCAGCTC[T>A]GATTCCGACACCTTCTCCGATGACATGGCCTTCAAACTAGACCGAAGGGAGAACGACGAA-3'
Protein context (NP_057591.2, residues 68-88): KPLVEYDDIS[Ser78=]DSDTFSDDMA

ClinVar aggregate classification (germline): Likely benign. Review status: criteria provided, single submitter (1 of 4 stars). 2 submissions from 2 submitters: Likely benign (1). 1 of the submissions does not count toward it. Last evaluated 2024-11-18.

Conditions:
CDK12-related disorder. Also called: CDK12-related condition.

Allele frequency attached by ClinVar (database versions not stated): 1000 Genomes Project 0.00180; 1000 Genomes Project 30x 0.00203; gnomAD 0.00269; TOPMed 0.00303; ESP Exome Variant Server 0.00384.
gnomAD v4.1: 774 of 1,614,180 alleles (0.048%); highest among the groups gnomAD compares: African/African-American, 0.92%; 3 homozygotes.

Submissions (2):

Ambry Genetics
Classification: Likely benign. Last evaluated: 2024-11-18. Review status: criteria provided, single submitter. Criteria: Ambry Variant Classification Scheme 2023. Collection method: clinical testing. Allele origin: germline.

PreventionGenetics, part of Exact Sciences
Classification: Benign for CDK12-related condition. Last evaluated: 2019-08-05. Review status: no assertion criteria provided. Collection method: clinical testing. Allele origin: germline. Not counted in ClinVar's aggregate classification.
Comment: This variant is classified as benign based on ACMG/AMP sequence variant interpretation guidelines (Richards et al. 2015 PMID: 25741868, with internal and published modifications).